The following is an entry in ClinVar:

NM_005909.5(MAP1B):c.3949A>G (p.Thr1317Ala)

Gene: MAP1B (microtubule associated protein 1B; plus strand). Cytogenetic location: 5q13.2.
Variant type: single nucleotide variant.
Coding change: c.3949A>G on transcript NM_005909.5 (MANE Select); coding-DNA position 3949, A replaced by G.
Protein change: p.Thr1317Ala; replaces threonine 1317 with alanine.
Molecular consequence: missense variant.
Genome position (GRCh38, 1-based): chr5:72,197,304, A>G. VCF-style: chr5-72197304-A-G. GRCh37 (hg19) VCF-style: chr5-71493131-A-G.
Other names: c.3571A>G, p.Thr1191Ala (NM_001324255.2); short protein forms T1191A, T1317A.
Identifiers: ClinVar variation 3359556 (VCV003359556.2).

ClinVar aggregate classification (germline): Uncertain significance (1 of 4 stars; one submission).

gnomAD v4.1: 1 of 1,614,070 alleles (0.000062%); highest among the groups gnomAD compares: Non-Finnish European, 0.000085%; no homozygotes.

Submission:

GeneDx
Classification: Uncertain significance. Last evaluated: 2026-02-23. Review status: criteria provided, single submitter. Criteria: GeneDx Variant Classification Process June 2021. Collection method: clinical testing. Allele origin: germline.
Comment: Not observed at significant frequency in large population cohorts (gnomAD); In silico analysis supports that this missense variant has a deleterious effect on protein structure/function; Has not been previously published as pathogenic or benign to our knowledge